The following is an entry in ClinVar:

ClinVar aggregate classification (germline): Pathogenic. Review status: reviewed by expert panel (3 of 4 stars). 6 submissions from 6 submitters: Pathogenic (1). 5 of the submissions do not count toward it. Last evaluated 2025-08-01.

Conditions:
RPGR-related retinopathy. Also called: RPGR retinopathy. Identifiers: MedGen CN305589, MONDO:0100437.
RPGR-related disorder. Also called: RPGR-related condition.
Primary ciliary dyskinesia. Also called: Ciliary dyskinesia. Identifiers: Orphanet 244, MedGen C0008780, MONDO:0016575, HP:0012265.

Submissions (6):

ClinGen X-linked Inherited Retinal Disease Variant Curation Expert Panel, ClinGen
Classification: Pathogenic for RPGR-related retinopathy. Last evaluated: 2025-08-01. Review status: reviewed by expert panel. Criteria: ClinGen X LinkedIRD ACMG Specifications RPGR V1.0.0. Collection method: curation. Allele origin: germline. Inheritance: X-linked inheritance.
Comment: NM_001034853.2(RPGR):c.1092dup (p.Ala365CysfsTer12) is a 1-bp duplication variant in exon 10 of 15, which results in a frameshift and premature stop codon after 12 amino acids and is predicted to trigger nonsense-mediated decay (PVS1). This variant is absent from gnomAD v4.1.0 (PM2_Supporting). This variant has been reported in at least 2 apparently unrelated probands meeting one of the PS4 requirements of a male with some functional vision impairment by age 30 years and/or decreased or absent electroretinogram responses, or a female with functional visual abnormality and documentation of a male relative affected with retinitis pigmentosa (PMIDs: 10937588, 21857984, PS4_Supporting). In summary, this variant is classified as pathogenic for RPGR-related retinopathy based on the ClinGen X-linked Inherited Retinal Disease Expert Panel Specifications to the ACMG/AMP Variant Interpretation Guidelines for RPGR Version 1.0.0; PVS1, PM2_Supporting, and PS4_Supporting. (date of approval 05/16/2025).

Labcorp Genetics (formerly Invitae), Labcorp
Classification: Pathogenic for Primary ciliary dyskinesia. Last evaluated: 2024-01-29. Review status: criteria provided, single submitter. Criteria: Invitae Variant Classification Sherloc (09022015). Collection method: clinical testing. Allele origin: germline. Not counted in ClinVar's aggregate classification.
Comment: This sequence change creates a premature translational stop signal (p.Ala365Cysfs*12) in the RPGR gene. It is expected to result in an absent or disrupted protein product. Loss-of-function variants in RPGR are known to be pathogenic (PMID: 16055928, 16969763). This variant is not present in population databases (gnomAD no frequency). This premature translational stop signal has been observed in individual(s) with RPGR-related conditions (PMID: 21857984). ClinVar contains an entry for this variant (Variation ID: 98727). For these reasons, this variant has been classified as Pathogenic.

Blueprint Genetics
Classification: Pathogenic for RPGR-related disorders. Last evaluated: 2022-01-06. Review status: criteria provided, single submitter. Criteria: ACMG Guidelines, 2015. Collection method: clinical testing. Allele origin: germline. Affected: yes. Observed: 3 variant alleles. Not counted in ClinVar's aggregate classification.

Ambry Genetics
Classification: Pathogenic for Primary ciliary dyskinesia. Last evaluated: 2016-08-09. Review status: criteria provided, single submitter. Criteria: Ambry Variant Classification Scheme 2023. Collection method: clinical testing. Allele origin: germline. Not counted in ClinVar's aggregate classification.
Comment: The c.1092dupT pathogenic mutation (also known as 1147insT and 1151_1152insT), located in coding exon 10 of the RPGR gene, results from a duplication of T at nucleotide position 1092, causing a translational frameshift with a predicted alternate stop codon (p.A365Cfs*12). This mutation was detected in two individuals with X-linked retinitis pigmentosa (Sharon D et al. Invest. Ophthalmol. Vis. Sci., 2000 Aug;41:2712-21; Guevara-Fujita M et al. Hum. Mutat., 2001 Feb;17:151). In addition to the clinical data presented in the literature, this alteration is expected to result in loss of function by premature protein truncation or nonsense-mediated mRNA decay. As such, this alteration is interpreted as a disease-causing mutation.

PreventionGenetics, part of Exact Sciences
Classification: Pathogenic. Last evaluated: 2015-08-05. Review status: criteria provided, single submitter. Criteria: ACMG Guidelines, 2015. Collection method: clinical testing. Allele origin: germline. Not counted in ClinVar's aggregate classification.

Retina International
No classification provided. Review status: no classification provided. Collection method: not provided. Allele origin: not provided. Not counted in ClinVar's aggregate classification.

Literature cited by the submitters: PubMed 16055928 (cited by Labcorp Genetics (formerly Invitae), Labcorp); PubMed 16969763 (cited by Labcorp Genetics (formerly Invitae), Labcorp); PubMed 21857984 (cited by Labcorp Genetics (formerly Invitae), Labcorp); PubMed 10937588 (cited by Ambry Genetics); PubMed 11180598 (cited by Ambry Genetics).

NM_001034853.2(RPGR):c.1092dup (p.Ala365fs)

Gene: RPGR (retinitis pigmentosa GTPase regulator; minus strand). Cytogenetic location: Xp11.4.
Variant type: Duplication.
Coding change: c.1092dup on transcript NM_001034853.2 (MANE Select); coding-DNA position 1092, one base duplicated (T; older notation c.1092dupT).
Protein change: p.Ala365fs; shifts the reading frame from alanine 365.
Molecular consequence: frameshift variant. On other transcripts: non-coding transcript variant (6), intron variant (2).
Genome position (GRCh38, 1-based): chrX:38,299,109, A duplicated on the plus strand (T on the coding strand, the reverse complement: RPGR is on the minus strand); the first of 5 consecutive A bases (chrX:38,299,109-38,299,113); duplicating any one gives the same sequence. VCF-style (leftmost placement, unchanged base first): chrX-38299108-C-CA. GRCh37 (hg19) VCF-style: chrX-38158361-C-CA.
Other names: NM_001034853.2(RPGR):c.1092dup; p.Ala365fs; c.1092dup, p.Ala365fs (NM_000328.3, NM_001367247.1); c.1089dup, p.Ala364fs (NM_001367245.1, NM_001367249.1, NM_001367250.1); c.1122dup, p.Ala375fs (NM_001367248.1); c.1060-1661dup (NM_001367251.1, NM_001367246.1); short protein forms A364fs, A365fs, A375fs.
Identifiers: ClinVar variation 98727 (VCV000098727.13), dbSNP rs281865301, ClinGen allele CA226342.